The following is an entry in ClinVar:

NM_207037.2(TCF12):c.1621_1622del (p.Glu541fs)

Gene: TCF12 (transcription factor 12; plus strand). Cytogenetic location: 15q21.3.
Variant type: Deletion.
Coding change: c.1621_1622del on transcript NM_207037.2 (MANE Select); coding-DNA positions 1621 to 1622, 2 bases deleted (GA; older notation c.1621_1622delGA).
Protein change: p.Glu541fs; shifts the reading frame from glutamic acid 541.
Molecular consequence: frameshift variant.
Genome position (GRCh38, 1-based): chr15:57,263,150-57,263,151, GA deleted; deleting any 2 consecutive bases within chr15:57,263,149-57,263,151 gives the same sequence; the c. name uses the placement nearest the transcript's 3' end. VCF-style (leftmost placement, unchanged base first): chr15-57263148-CAG-C. GRCh37 (hg19) VCF-style: chr15-57555346-CAG-C.
Other names: c.1111_1112del, p.Glu371fs (NM_001306219.3); c.841_842del, p.Glu281fs (NM_001306220.3); c.1621_1622del, p.Glu541fs (NM_001322151.2, NM_001322152.2, NM_001322159.3 and 2 more transcripts); c.964_965del, p.Glu322fs (NM_001322154.2); c.1447_1448del, p.Glu483fs (NM_001322156.2); c.1549_1550del, p.Glu517fs (NM_001322157.3, NM_001322165.2, NM_003205.4 and 1 more transcripts); c.1375_1376del, p.Glu459fs (NM_001322158.2); c.1618_1619del, p.Glu540fs (NM_001322161.2); and 2 more; short protein forms E281fs, E322fs, E347fs, E371fs, E459fs, E483fs, E517fs, E529fs.
Identifiers: ClinVar variation 2431576 (VCV002431576.1), dbSNP rs2551492702, ClinGen allele CA2580089816.

ClinVar aggregate classification (germline): Likely pathogenic (1 of 4 stars; one submission).

Conditions:
Hypogonadotropic hypogonadism 26 with or without anosmia (HH26). Identifiers: MedGen C5676903, MONDO:0030534, OMIM 619718.

Submission:

Laboratorio de Genetica e Diagnostico Molecular, Hospital Israelita Albert Einstein
Classification: Likely pathogenic for Hypogonadotropic hypogonadism 26 with or without anosmia. Last evaluated: 2022-05-31. Review status: criteria provided, single submitter. Criteria: ACMG Guidelines, 2015. Collection method: clinical testing. Allele origin: germline. Affected: yes. Observed: 1 variant allele.
Comment: ACMG classification criteria: PVS1 very strong, PM2 moderated